The following is an entry in ClinVar:

ClinVar aggregate classification (germline): Uncertain significance (1 of 4 stars; one submission).

gnomAD v4.1: 1 of 1,613,046 alleles (0.000062%); highest among the groups gnomAD compares: South Asian, 0.0011%; no homozygotes.

Submission:

Women's Health and Genetics/Laboratory Corporation of America, LabCorp
Classification: Uncertain significance. Last evaluated: 2022-03-11. Review status: criteria provided, single submitter. Criteria: LabCorp Variant Classification Summary - May 2015. Collection method: clinical testing. Allele origin: germline.
Comment: Variant summary: DHCR7 c.1088G>T (p.Arg363Leu) results in a non-conservative amino acid change in the encoded protein sequence. Five of five in-silico tools predict a damaging effect of the variant on protein function. The variant allele was found at a frequency of 4e-06 in 248778 control chromosomes. The available data on variant occurrences in the general population are insufficient to allow any conclusion about variant significance. To our knowledge, no occurrence of c.1088G>T in individuals affected with Smith-Lemli-Opitz Syndrome and no experimental evidence demonstrating its impact on protein function have been reported. No clinical diagnostic laboratories have submitted clinical-significance assessments for this variant to ClinVar after 2014. Based on the evidence outlined above, the variant was classified as uncertain significance.

NM_001360.3(DHCR7):c.1088G>T (p.Arg363Leu)

Gene: DHCR7 (7-dehydrocholesterol reductase; minus strand). Cytogenetic location: 11q13.4.
Variant type: single nucleotide variant.
Coding change: c.1088G>T on transcript NM_001360.3 (MANE Select); coding-DNA position 1088, G replaced by T.
Protein change: p.Arg363Leu; replaces arginine 363 with leucine.
Molecular consequence: missense variant.
Genome position (GRCh38, 1-based): chr11:71,435,715, C>A on the plus strand (G>T on the coding strand, the complement: DHCR7 is on the minus strand). VCF-style: chr11-71435715-C-A. GRCh37 (hg19) VCF-style: chr11-71146761-C-A.
Other names: c.1088G>T, p.Arg363Leu (NM_001163817.2); short protein forms R363L.
Identifiers: ClinVar variation 1677089 (VCV001677089.1), dbSNP rs200539324, ClinGen allele CA224324448.
Genomic context (GRCh38, chr11:71,435,715, plus strand): 5'-GTGTAGGAGCACTCGATGACCTTGGGCTTCCTGCCCCAGATGAGGCAGCGCCCATCCGTG[C>A]GGCGGAACAGGTCCTTCTGGTGGTTGGCCACCCGGAAGATGTAGTAGCCCACCAGGCCCA-3'
Protein context (NP_001351.2, residues 353-373): VANHQKDLFR[Arg363Leu]TDGRCLIWGR